The following is an entry in ClinVar:

NM_001042492.3(NF1):c.60+217C>T

Gene: NF1 (neurofibromin 1; plus strand). Cytogenetic location: 17q11.2.
Variant type: single nucleotide variant.
Coding change: c.60+217C>T on transcript NM_001042492.3 (MANE Select); 217 bases into the intron after coding-DNA position 60, C replaced by T.
Molecular consequence: intron variant.
Genome position (GRCh38, 1-based): chr17:31,095,586, C>T. VCF-style: chr17-31095586-C-T. GRCh37 (hg19) VCF-style: chr17-29422604-C-T.
Other names: c.60+217C>T (NM_000267.4, NM_001128147.3).
Identifiers: ClinVar variation 561547 (VCV000561547.2), dbSNP rs17878824, ClinGen allele CA289314954.

ClinVar aggregate classification (germline): Likely benign. Review status: criteria provided, multiple submitters, no conflicts (2 of 4 stars). 2 submissions from 2 submitters: Likely benign (2). Last evaluated 2018-06-12.

Allele frequency attached by ClinVar (database versions not stated): gnomAD exomes 0.00113; gnomAD 0.00696 and 0.00737; 1000 Genomes Project 0.00699; TOPMed 0.00791; 1000 Genomes Project 30x 0.00812.
gnomAD v4.1: 1,560 of 574,606 alleles (0.27%); highest among the groups gnomAD compares: African/African-American, 2.2%; 16 homozygotes.

Submissions (2):

GeneDx
Classification: Likely benign. Last evaluated: 2018-06-12. Review status: criteria provided, single submitter. Criteria: GeneDx Variant Classification (06012015). Collection method: clinical testing. Allele origin: germline. Affected: yes.
Comment: This variant is considered likely benign or benign based on one or more of the following criteria: it is a conservative change, it occurs at a poorly conserved position in the protein, it is predicted to be benign by multiple in silico algorithms, and/or has population frequency not consistent with disease.

Breakthrough Genomics
Classification: Likely benign. Review status: criteria provided, single submitter. Criteria: ACMG Guidelines, 2015. Collection method: not provided. Allele origin: germline. Inheritance: Autosomal dominant inheritance. Affected: yes.